The following is an entry in ClinVar:

NC_000022.11:g.(?_17188319)_(17188467_?)del

Gene: ADA2 (adenosine deaminase 2; minus strand). Cytogenetic location: 22q11.1.
Variant type: Deletion.
Identifiers: ClinVar variation 583460 (VCV000583460.9).

ClinVar aggregate classification (germline): Pathogenic (1 of 4 stars; one submission).

Conditions:
Deficiency of adenosine deaminase 2. Also called: Adenosine Deaminase 2 Deficiency; VASCULITIS, AUTOINFLAMMATION, IMMUNODEFICIENCY, AND HEMATOLOGIC DEFECTS SYNDROME; Polyarteritis nodosa, childhoood-onset. Identifiers: Orphanet 404553, MedGen C3887654, MONDO:0014306, OMIM 615688, MONDO:0100317.

Submission:

Labcorp Genetics (formerly Invitae), Labcorp
Classification: Pathogenic for Deficiency of adenosine deaminase 2. Last evaluated: 2024-01-25. Review status: criteria provided, single submitter. Criteria: Invitae Variant Classification Sherloc (09022015). Collection method: clinical testing. Allele origin: germline.
Comment: This variant is a gross deletion of the genomic region encompassing exon(s) 7 of the ADA2 gene. This deletion is out-of-frame, and is expected to create a premature termination codon and result in an absent or disrupted protein product. Loss-of-function variants in ADA2 are known to be pathogenic (PMID: 24552284, 24552285). A similar copy number variant has been observed in individual(s) with ADA2 deficiency (PMID: 27252897). It has also been observed to segregate with disease in related individuals. For these reasons, this variant has been classified as Pathogenic.

Literature cited by the submitters: PubMed 24552284; PubMed 24552285; PubMed 27252897.